The following is an entry in ClinVar:

NM_005732.4(RAD50):c.3120_3121delinsGA (p.His1041Asn)

Gene: RAD50 (RAD50 double strand break repair protein; plus strand). Cytogenetic location: 5q31.1.
Variant type: Indel.
Coding change: c.3120_3121delinsGA on transcript NM_005732.4 (MANE Select); coding-DNA positions 3120 to 3121, AC replaced by GA.
Protein change: p.His1041Asn; replaces histidine 1041 with asparagine.
Molecular consequence: missense variant.
Genome position (GRCh38, 1-based): chr5:132,616,086-132,616,087, AC replaced by GA. VCF-style: chr5-132616086-AC-GA. GRCh37 (hg19) VCF-style: chr5-131951778-AC-GA.
Other names: short protein forms H1041N.
Identifiers: ClinVar variation 653206 (VCV000653206.11), dbSNP rs1581008455, ClinGen allele CA915942553.

ClinVar aggregate classification (germline): Uncertain significance. Review status: criteria provided, multiple submitters, no conflicts (2 of 4 stars). 2 submissions from 2 submitters: Uncertain significance (2). Last evaluated 2022-03-05.

Conditions:
Hereditary cancer-predisposing syndrome. Also called: Neoplastic Syndromes, Hereditary; Tumor predisposition; Hereditary Cancer Syndrome; Hereditary neoplastic syndrome. Identifiers: Orphanet 140162, MedGen C0027672, MeSH D009386, MONDO:0015356.

Submissions (2):

Labcorp Genetics (formerly Invitae), Labcorp
Classification: Uncertain significance for Hereditary cancer-predisposing syndrome. Last evaluated: 2022-03-05. Review status: criteria provided, single submitter. Criteria: Invitae Variant Classification Sherloc (09022015). Collection method: clinical testing. Allele origin: germline.
Comment: This sequence change replaces histidine, which is basic and polar, with asparagine, which is neutral and polar, at codon 1041 of the RAD50 protein (p.His1041Asn). Information on the frequency of this variant in the gnomAD database is not available, as this variant may be reported differently in the database. This variant has not been reported in the literature in individuals affected with RAD50-related conditions. ClinVar contains an entry for this variant (Variation ID: 653206). Experimental studies and prediction algorithms are not available or were not evaluated, and the functional significance of this variant is currently unknown. In summary, the available evidence is currently insufficient to determine the role of this variant in disease. Therefore, it has been classified as a Variant of Uncertain Significance.

Ambry Genetics
Classification: Uncertain significance for Hereditary cancer-predisposing syndrome. Last evaluated: 2021-05-04. Review status: criteria provided, single submitter. Criteria: Ambry Variant Classification Scheme 2023. Collection method: clinical testing. Allele origin: germline.
Comment: The c.3120_3121delACinsGA variant (also known as p.H1041N), located in coding exon 20 of the RAD50 gene, results from an in-frame deletion of AC and insertion of GA at nucleotide positions 3120 to 3121. This results in the substitution of the histidine residue for an asparagine residue at codon 1041, an amino acid with similar properties. This amino acid position is not well conserved in available vertebrate species. In addition, this alteration is predicted to be neutral by in silico analysis (Choi Y et al. PLoS ONE. 2012; 7(10):e46688). Since supporting evidence is limited at this time, the clinical significance of this alteration remains unclear.